The following is an entry in ClinVar:

ClinVar aggregate classification (germline): Uncertain significance. Review status: criteria provided, multiple submitters, no conflicts (2 of 4 stars). 5 submissions from 5 submitters: Uncertain significance (5). Last evaluated 2025-09-15.

Allele frequency attached by ClinVar (database versions not stated): 1000 Genomes Project 30x 0.00016; 1000 Genomes Project 0.00020; TOPMed 0.00041; gnomAD 0.00044 and 0.00043; ExAC 0.00022; gnomAD exomes 0.00028 and 0.00061; ESP Exome Variant Server 0.00057.
gnomAD v4.1: 942 of 1,611,832 alleles (0.058%); highest among the groups gnomAD compares: Non-Finnish European, 0.071%; 11 homozygotes.

Submissions (5):

Mayo Clinic Laboratories, Mayo Clinic
Classification: Uncertain significance. Last evaluated: 2025-09-15. Review status: criteria provided, single submitter. Criteria: ACMG Guidelines, 2015. Collection method: clinical testing. Allele origin: germline. Observed: 4 variant alleles.
Comment: BP4_moderate

Clinical Genomics Laboratory, Washington University in St. Louis
Classification: Uncertain significance. Last evaluated: 2024-08-22. Review status: criteria provided, single submitter. Criteria: ACMG Guidelines, 2015. Collection method: clinical testing. Allele origin: germline.
Comment: A CFHR4 c.119G>A (p.Arg40His) variant was identified. This variant, to our knowledge, has not been reported in the medical literature. This variant is observed on 84/280,886 alleles in the general population (gnomAD v2.1.1). This variant has been reported in the ClinVar database as a germline variant of uncertain significance by two submitters (ClinVar Variation ID: 827994). Computational predictors suggest that the variant does not impact CFHR4 function. Due to limited information, and based on ACMG/AMP guidelines for variant interpretation (Richards S et al., PMID: 25741868), the clinical significance of the CFHR4 c.119G>A (p.Arg40His) variant is uncertain at this time.

Ambry Genetics
Classification: Uncertain significance. Last evaluated: 2021-08-13. Review status: criteria provided, single submitter. Criteria: Ambry Variant Classification Scheme 2023. Collection method: clinical testing. Allele origin: germline.

Center for Genomics, Ann and Robert H. Lurie Children's Hospital of Chicago
Classification: Uncertain significance. Last evaluated: 2021-03-30. Review status: criteria provided, single submitter. Criteria: ACMG Guidelines, 2015. Collection method: clinical testing. Allele origin: germline.
Comment: CFHR4 NM_001201550.2 exon2 p.Arg40His (c.119G>A): This variant has not been reported in the literature but is present in 0.04% (12/24092) of African alleles in the Genome Aggregation Database. Evolutionary conservation tools for this variant are limited or unavailable. Computational predictive tools suggest that this variant may not impact the protein. In summary, data on this variant is insufficient for disease classification. Therefore, the clinical significance of this variant is uncertain.

Breakthrough Genomics
Classification: Uncertain significance. Review status: criteria provided, single submitter. Criteria: ACMG Guidelines, 2015. Collection method: not provided. Allele origin: germline. Inheritance: Unknown mechanism. Affected: yes.

NM_001201550.3(CFHR4):c.119G>A (p.Arg40His)

Gene: CFHR4 (complement factor H related 4; plus strand). Cytogenetic location: 1q31.3.
Variant type: single nucleotide variant.
Coding change: c.119G>A on transcript NM_001201550.3 (MANE Select); coding-DNA position 119, G replaced by A.
Protein change: p.Arg40His; replaces arginine 40 with histidine.
Molecular consequence: missense variant.
Genome position (GRCh38, 1-based): chr1:196,902,478, G>A. VCF-style: chr1-196902478-G-A. GRCh37 (hg19) VCF-style: chr1-196871608-G-A.
Other names: p.Arg39His; c.116G>A, p.Arg39His (NM_001201551.2); c.119G>A, p.Arg40His (NM_006684.5); c.119G>A (NM_001201550.2); short protein forms R39H, R40H.
Identifiers: ClinVar variation 827994 (VCV000827994.8), dbSNP rs200977143, ClinGen allele CA1306741.